The following is an entry in ClinVar:

NM_001039876.3(SYNE4):c.1187G>A (p.Ser396Asn)

Gene: SYNE4 (spectrin repeat containing nuclear envelope family member 4; minus strand). Cytogenetic location: 19q13.12.
Variant type: single nucleotide variant.
Coding change: c.1187G>A on transcript NM_001039876.3 (MANE Select); coding-DNA position 1187, G replaced by A.
Protein change: p.Ser396Asn; replaces serine 396 with asparagine.
Molecular consequence: missense variant.
Genome position (GRCh38, 1-based): chr19:36,003,365, C>T on the plus strand (G>A on the coding strand, the complement: SYNE4 is on the minus strand). VCF-style: chr19-36003365-C-T. GRCh37 (hg19) VCF-style: chr19-36494267-C-T.
Other names: c.848G>A, p.Ser283Asn (NM_001297735.3); short protein forms S396N, S283N.
Identifiers: ClinVar variation 1353240 (VCV001353240.8), dbSNP rs2145338115, ClinGen allele CA405426860.

ClinVar aggregate classification (germline): Uncertain significance (1 of 4 stars; one submission).

Allele frequency attached by ClinVar (database versions not stated): gnomAD exomes below 0.00001.
gnomAD v4.1: 2 of 1,614,094 alleles (0.00012%); highest among the groups gnomAD compares: Non-Finnish European, 0.00017%; no homozygotes.

Submission:

Labcorp Genetics (formerly Invitae), Labcorp
Classification: Uncertain significance. Last evaluated: 2022-12-06. Review status: criteria provided, single submitter. Criteria: Invitae Variant Classification Sherloc (09022015). Collection method: clinical testing. Allele origin: germline.
Comment: ClinVar contains an entry for this variant (Variation ID: 1353240). This sequence change replaces serine, which is neutral and polar, with asparagine, which is neutral and polar, at codon 396 of the SYNE4 protein (p.Ser396Asn). This variant is not present in population databases (gnomAD no frequency). This variant has not been reported in the literature in individuals affected with SYNE4-related conditions. Advanced modeling of protein sequence and biophysical properties (such as structural, functional, and spatial information, amino acid conservation, physicochemical variation, residue mobility, and thermodynamic stability) performed at Invitae indicates that this missense variant is not expected to disrupt SYNE4 protein function. In summary, the available evidence is currently insufficient to determine the role of this variant in disease. Therefore, it has been classified as a Variant of Uncertain Significance.